The following is an entry in ClinVar:

NM_025099.6(CTC1):c.2375A>G (p.Asn792Ser)

Gene: CTC1 (CST telomere replication complex component 1; minus strand). Cytogenetic location: 17p13.1.
Variant type: single nucleotide variant.
Coding change: c.2375A>G on transcript NM_025099.6 (MANE Select); coding-DNA position 2375, A replaced by G.
Protein change: p.Asn792Ser; replaces asparagine 792 with serine.
Molecular consequence: missense variant. On other transcripts: non-coding transcript variant (1).
Genome position (GRCh38, 1-based): chr17:8,231,913, T>C on the plus strand (A>G on the coding strand, the complement: CTC1 is on the minus strand). VCF-style: chr17-8231913-T-C. GRCh37 (hg19) VCF-style: chr17-8135231-T-C.
Other names: c.2375A>G (NM_025099.5); short protein forms N792S.
Identifiers: ClinVar variation 1385535 (VCV001385535.8), dbSNP rs1245008176, ClinGen allele CA397977117.

ClinVar aggregate classification (germline): Conflicting classifications of pathogenicity. Review status: criteria provided, conflicting classifications (1 of 4 stars). 3 submissions from 3 submitters: Uncertain significance (2); Likely benign (1). Last evaluated 2023-01-30.

Conditions:
Dyskeratosis congenita. Identifiers: Orphanet 1775, MedGen C0265965, MONDO:0015780.
Inborn genetic diseases. Identifiers: MedGen C0950123, MeSH D030342.

Allele frequency attached by ClinVar (database versions not stated): gnomAD exomes below 0.00001 and 0.00001.
gnomAD v4.1: 22 of 1,613,648 alleles (0.0014%); highest among the groups gnomAD compares: Non-Finnish European, 0.0016%; no homozygotes.

Submissions (3):

Blueprint Genetics
Classification: Likely benign. Last evaluated: 2023-01-30. Review status: criteria provided, single submitter. Criteria: ACMG Guidelines, 2015. Collection method: clinical testing. Allele origin: germline.

Ambry Genetics
Classification: Uncertain significance for Inborn genetic diseases. Last evaluated: 2022-12-06. Review status: criteria provided, single submitter. Criteria: Ambry Variant Classification Scheme 2023. Collection method: clinical testing. Allele origin: germline.

Labcorp Genetics (formerly Invitae), Labcorp
Classification: Uncertain significance for Dyskeratosis congenita. Last evaluated: 2022-10-17. Review status: criteria provided, single submitter. Criteria: Invitae Variant Classification Sherloc (09022015). Collection method: clinical testing. Allele origin: germline.
Comment: In summary, the available evidence is currently insufficient to determine the role of this variant in disease. Therefore, it has been classified as a Variant of Uncertain Significance. Advanced modeling of protein sequence and biophysical properties (such as structural, functional, and spatial information, amino acid conservation, physicochemical variation, residue mobility, and thermodynamic stability) performed at Invitae indicates that this missense variant is not expected to disrupt CTC1 protein function. ClinVar contains an entry for this variant (Variation ID: 1385535). This variant has not been reported in the literature in individuals affected with CTC1-related conditions. This variant is present in population databases (no rsID available, gnomAD 0.0009%). This sequence change replaces asparagine, which is neutral and polar, with serine, which is neutral and polar, at codon 792 of the CTC1 protein (p.Asn792Ser).